The following is an entry in ClinVar:

NM_170606.3(KMT2C):c.1355A>G (p.Asn452Ser)

Gene: KMT2C (lysine methyltransferase 2C; minus strand). Cytogenetic location: 7q36.1.
Variant type: single nucleotide variant.
Coding change: c.1355A>G on transcript NM_170606.3 (MANE Select); coding-DNA position 1355, A replaced by G.
Protein change: p.Asn452Ser; replaces asparagine 452 with serine.
Molecular consequence: missense variant.
Genome position (GRCh38, 1-based): chr7:152,252,660, T>C on the plus strand (A>G on the coding strand, the complement: KMT2C is on the minus strand). VCF-style: chr7-152252660-T-C. GRCh37 (hg19) VCF-style: chr7-151949745-T-C.
Other names: short protein forms N452S.
Identifiers: ClinVar variation 3771267 (VCV003771267.13).

ClinVar aggregate classification (germline): Uncertain significance (1 of 4 stars; one submission).

gnomAD v4.1: 26 of 1,613,546 alleles (0.0016%); highest among the groups gnomAD compares: Middle Eastern, 0.017%; no homozygotes.

Submission:

CeGaT Center for Human Genetics Tuebingen
Classification: Uncertain significance. Last evaluated: 2025-02-01. Review status: criteria provided, single submitter. Criteria: CeGaT Center For Human Genetics Tuebingen Variant Classification Criteria Version 2. Collection method: clinical testing. Allele origin: germline. Affected: yes. Observed: 1 variant allele.
Comment: KMT2C: PM2, BP4